The following is an entry in ClinVar:

ClinVar aggregate classification (germline): Uncertain significance (1 of 4 stars; one submission).

Conditions:
Neuroblastoma, susceptibility to, 3. Also called: ALK-Related Neuroblastic Tumor Susceptibility. Identifiers: Orphanet 635, MedGen C2751681, MONDO:0013083, OMIM 613014.

Submission:

Labcorp Genetics (formerly Invitae), Labcorp
Classification: Uncertain significance for Neuroblastoma, susceptibility to, 3. Last evaluated: 2025-03-13. Review status: criteria provided, single submitter. Criteria: Invitae Variant Classification Sherloc (09022015). Collection method: clinical testing. Allele origin: germline.
Comment: This variant, c.2460_2462del, results in the deletion of 1 amino acid(s) of the ALK protein (p.Gly823del), but otherwise preserves the integrity of the reading frame. This variant is not present in population databases (gnomAD no frequency). This variant has not been reported in the literature in individuals affected with ALK-related conditions. Experimental studies and prediction algorithms are not available or were not evaluated, and the functional significance of this variant is currently unknown. In summary, the available evidence is currently insufficient to determine the role of this variant in disease. Therefore, it has been classified as a Variant of Uncertain Significance.

NM_004304.5(ALK):c.2454AGG[2] (p.Gly823del)

Gene: ALK (ALK receptor tyrosine kinase; minus strand). Cytogenetic location: 2p23.2.
Variant type: Microsatellite.
Coding change: c.2454AGG[2] on transcript NM_004304.5 (MANE Select); two copies in a row of the 3-base unit AGG starting at c.2454; the reference has three copies in a row; one copy, 3 bases deleted.
Protein change: p.Gly823del; deletes glycine 823.
Genome position (GRCh38, 1-based): chr2:29,233,590-29,233,592, CCT deleted on the plus strand (AGG on the coding strand, the reverse complement: ALK is on the minus strand); deleting any 3 consecutive bases within chr2:29,233,590-29,233,600 gives the same sequence; the position shown is the placement nearest the transcript's 3' end. VCF-style (leftmost placement, unchanged base first): chr2-29233589-CCCT-C. GRCh37 (hg19) VCF-style: chr2-29456455-CCCT-C.
Other names: short protein forms G823del.
Identifiers: ClinVar variation 3637267 (VCV003637267.2).